The following is an entry in ClinVar:

ClinVar aggregate classification (germline): Uncertain significance (1 of 4 stars; one submission).

Submission:

Labcorp Genetics (formerly Invitae), Labcorp
Classification: Uncertain significance. Last evaluated: 2023-01-06. Review status: criteria provided, single submitter. Criteria: Invitae Variant Classification Sherloc (09022015). Collection method: clinical testing. Allele origin: germline.
Comment: This sequence change replaces leucine, which is neutral and non-polar, with phenylalanine, which is neutral and non-polar, at codon 26 of the CAPN5 protein (p.Leu26Phe). In summary, the available evidence is currently insufficient to determine the role of this variant in disease. Therefore, it has been classified as a Variant of Uncertain Significance. Advanced modeling of protein sequence and biophysical properties (such as structural, functional, and spatial information, amino acid conservation, physicochemical variation, residue mobility, and thermodynamic stability) performed at Invitae indicates that this missense variant is expected to disrupt CAPN5 protein function. This variant has not been reported in the literature in individuals affected with CAPN5-related conditions. This variant is not present in population databases (gnomAD no frequency).

NM_004055.5(CAPN5):c.76C>T (p.Leu26Phe)

Gene: CAPN5 (calpain 5; plus strand). Cytogenetic location: 11q13.5.
Variant type: single nucleotide variant.
Coding change: c.76C>T on transcript NM_004055.5 (MANE Select); coding-DNA position 76, C replaced by T.
Protein change: p.Leu26Phe; replaces leucine 26 with phenylalanine.
Molecular consequence: missense variant.
Genome position (GRCh38, 1-based): chr11:77,084,962, C>T. VCF-style: chr11-77084962-C-T. GRCh37 (hg19) VCF-style: chr11-76796008-C-T.
Other names: c.76C>T, p.Leu26Phe (NM_001425321.1, NM_001425322.1, NM_001425323.1); short protein forms L26F.
Identifiers: ClinVar variation 2826552 (VCV002826552.3), dbSNP rs2496185155, ClinGen allele CA381926927.